The following is an entry in ClinVar:

ClinVar aggregate classification (germline): Uncertain significance. Review status: criteria provided, multiple submitters, no conflicts (2 of 4 stars). 3 submissions from 3 submitters: Uncertain significance (3). Last evaluated 2026-06-16.

Conditions:
Autosomal recessive limb-girdle muscular dystrophy type 2J (LGMDR10). Also called: Limb-girdle muscular dystrophy, type 2J; MUSCULAR DYSTROPHY, LIMB-GIRDLE, AUTOSOMAL RECESSIVE 10. Identifiers: Orphanet 140922, MedGen C1837342, MONDO:0012127, OMIM 608807.
Dilated cardiomyopathy 1G (CMD1G). Identifiers: Orphanet 154, MedGen C1858763, MONDO:0011400, OMIM 604145.

Allele frequency attached by ClinVar (database versions not stated): ExAC 0.00002; gnomAD 0.00002; gnomAD exomes 0.00003; TOPMed 0.00003; ESP Exome Variant Server 0.00008.
gnomAD v4.1: 44 of 1,613,016 alleles (0.0027%); highest among the groups gnomAD compares: Admixed American, 0.0033%; no homozygotes.

Submissions (3):

Women's Health and Genetics/Laboratory Corporation of America, LabCorp
Classification: Uncertain significance. Last evaluated: 2026-06-16. Review status: criteria provided, single submitter. Criteria: LabCorp Variant Classification Summary - May 2015. Collection method: clinical testing. Allele origin: germline.

Revvity Omics, Revvity
Classification: Uncertain significance. Last evaluated: 2024-06-07. Review status: criteria provided, single submitter. Criteria: ACMG Guidelines, 2015. Collection method: clinical testing. Allele origin: germline.

Labcorp Genetics (formerly Invitae), Labcorp
Classification: Uncertain significance for Dilated cardiomyopathy 1G; Autosomal recessive limb-girdle muscular dystrophy type 2J. Last evaluated: 2018-04-24. Review status: criteria provided, single submitter. Criteria: Invitae Variant Classification Sherloc (09022015). Collection method: clinical testing. Allele origin: germline.
Comment: This sequence change replaces arginine with glutamine at codon 1664 of the TTN protein (p.Arg1664Gln). There is a small physicochemical difference between arginine and glutamine. This variant is present in population databases (rs375029799, ExAC 0.01%). This variant has not been reported in the literature in individuals with TTN-related disease. This variant identified in the TTN gene is located in the Z band of the resulting protein (PMID: 25589632). It is unclear how this variant impacts the function of this protein. Algorithms developed to predict the effect of missense changes on protein structure and function are unavailable for the TTN gene. In summary, this variant is a rare missense change with unknown impact on protein function. Missense variants in this region of the TTN gene are typically not causative for cardiac disease, but may be relevant for neuromuscular disorders. However, the available evidence is currently insufficient to determine this variant‚Äôs role in disease. Therefore, it has been classified as a Variant of Uncertain Significance.

Literature cited by the submitters: PubMed 25589632 (cited by Labcorp Genetics (formerly Invitae), Labcorp).

NM_001267550.2(TTN):c.4991G>A (p.Arg1664Gln)

Gene: TTN (titin; minus strand). Cytogenetic location: 2q31.2.
Variant type: single nucleotide variant.
Coding change: c.4991G>A on transcript NM_001267550.2 (MANE Select); coding-DNA position 4991, G replaced by A.
Protein change: p.Arg1664Gln; replaces arginine 1664 with glutamine.
Molecular consequence: missense variant.
Genome position (GRCh38, 1-based): chr2:178,776,873, C>T on the plus strand (G>A on the coding strand, the complement: TTN is on the minus strand). VCF-style: chr2-178776873-C-T. GRCh37 (hg19) VCF-style: chr2-179641600-C-T.
Other names: c.4991G>A, p.Arg1664Gln (NM_001256850.1, NM_133378.4, NM_133379.5); c.4853G>A, p.Arg1618Gln (NM_003319.4, NM_133432.3, NM_133437.4); short protein forms R1618Q, R1664Q.
Identifiers: ClinVar variation 2142653 (VCV002142653.3), dbSNP rs375029799, ClinGen allele CA2005235.